The following is an entry in ClinVar:

NM_001371928.1(AHDC1):c.1755_1758del (p.Lys585fs)

Gene: AHDC1 (AT-hook DNA binding motif containing 1; minus strand). Cytogenetic location: 1p36.11.
Variant type: Deletion.
Coding change: c.1755_1758del on transcript NM_001371928.1 (MANE Select); coding-DNA positions 1755 to 1758, 4 bases deleted (AAAA; older notation c.1755_1758delAAAA).
Protein change: p.Lys585fs; shifts the reading frame from lysine 585.
Molecular consequence: frameshift variant.
Genome position (GRCh38, 1-based): chr1:27,550,358-27,550,361, TTTT deleted on the plus strand (AAAA on the coding strand, the reverse complement: AHDC1 is on the minus strand); deleting any 4 consecutive bases within chr1:27,550,358-27,550,364 gives the same sequence; the c. name uses the placement nearest the transcript's 3' end. VCF-style (leftmost placement, unchanged base first): chr1-27550357-GTTTT-G. GRCh37 (hg19) VCF-style: chr1-27876868-GTTTT-G.
Other names: c.1755_1758del, p.Lys585fs (NM_001029882.3); short protein forms K585fs.
Identifiers: ClinVar variation 424562 (VCV000424562.2), dbSNP rs1064797043, ClinGen allele CA16617137.

ClinVar aggregate classification (germline): Pathogenic (1 of 4 stars; one submission).

Submission:

GeneDx
Classification: Pathogenic. Last evaluated: 2017-03-24. Review status: criteria provided, single submitter. Criteria: GeneDx Variant Classification (06012015). Collection method: clinical testing. Allele origin: germline. Affected: yes.
Comment: The c.1755_1758delAAAA variant in the AHDC1 gene has not been reported previously as a pathogenic variant nor as a benign variant, to our knowledge. The c.1755_1758delAAAA variant results in the replacement of the final 1019 amino acids of the protein with 36 incorrect ones, denoted p.Lys585AsnfsX37. This variant is predicted to cause loss of normal protein function either through protein truncation. The c.1755_1758delAAAA variant is not observed in large population cohorts (Lek et al., 2016; 1000 Genomes Consortium et al., 2015; Exome Variant Server). We interpret c.1755_1758delAAAA as a pathogenic variant.